The following is an entry in ClinVar:

ClinVar aggregate classification (germline): Uncertain significance (1 of 4 stars; one submission).

Submission:

Labcorp Genetics (formerly Invitae), Labcorp
Classification: Uncertain significance. Last evaluated: 2025-07-08. Review status: criteria provided, single submitter. Criteria: Invitae Variant Classification Sherloc (09022015). Collection method: clinical testing. Allele origin: germline.
Comment: This sequence change falls in intron 18 of the LARP1 gene. It does not directly change the encoded amino acid sequence of the LARP1 protein. It affects a nucleotide within the consensus splice site. This variant is not present in population databases (gnomAD no frequency). This variant has not been reported in the literature in individuals affected with LARP1-related conditions. Variants that disrupt the consensus splice site are a relatively common cause of aberrant splicing (PMID: 17576681, 9536098). Algorithms developed to predict the effect of sequence changes on RNA splicing suggest that this variant may disrupt the consensus splice site. In summary, the available evidence is currently insufficient to determine the role of this variant in disease. Therefore, it has been classified as a Variant of Uncertain Significance.

Literature cited by the submitters: PubMed 17576681; PubMed 9536098.

NM_033551.3(LARP1):c.3081+5G>C

Gene: LARP1 (La ribonucleoprotein 1, translational regulator; plus strand). Cytogenetic location: 5q33.2.
Variant type: single nucleotide variant.
Coding change: c.3081+5G>C on transcript NM_033551.3 (MANE Select); 5 bases into the intron after coding-DNA position 3081, G replaced by C.
Molecular consequence: intron variant.
Genome position (GRCh38, 1-based): chr5:154,811,645, G>C. VCF-style: chr5-154811645-G-C. GRCh37 (hg19) VCF-style: chr5-154191205-G-C.
Other names: c.2466+5G>C (NM_001367714.1, NM_001367713.1, NM_001367719.1); c.2367+5G>C (NM_001367716.1); c.2265+5G>C (NM_001367715.1); c.2850+5G>C (NM_015315.6); c.2772+5G>C (NM_001367717.1); c.2982+5G>C (NM_001367718.1).
Identifiers: ClinVar variation 4798842 (VCV004798842.1).
Genomic context (GRCh38, chr5:154,811,645, plus strand): 5'-CCAAACTGCAAGAATACCTCGGCAAATTCCGACGTCTTGAAGACTTCCGAGTAGATGTAA[G>C]TGAAACTCTTTCTCTAACTCTGCTTGTCCTGGAAAGAAAACTGGACCAGGAATCAGGATA-3'